The following is an entry in ClinVar:

ClinVar aggregate classification (germline): Uncertain significance (1 of 4 stars; one submission).

gnomAD v4.1: 2 of 1,614,146 alleles (0.00012%); highest among the groups gnomAD compares: African/African-American, 0.0013%; no homozygotes.

Submission:

Labcorp Genetics (formerly Invitae), Labcorp
Classification: Uncertain significance. Last evaluated: 2024-06-22. Review status: criteria provided, single submitter. Criteria: Invitae Variant Classification Sherloc (09022015). Collection method: clinical testing. Allele origin: germline.
Comment: This sequence change replaces glutamine, which is neutral and polar, with histidine, which is basic and polar, at codon 1322 of the MCM3AP protein (p.Gln1322His). This variant is present in population databases (no rsID available, gnomAD 0.0009%). This variant has not been reported in the literature in individuals affected with MCM3AP-related conditions. An algorithm developed to predict the effect of missense changes on protein structure and function (PolyPhen-2) suggests that this variant is likely to be disruptive. In summary, the available evidence is currently insufficient to determine the role of this variant in disease. Therefore, it has been classified as a Variant of Uncertain Significance.

NM_003906.5(MCM3AP):c.3966G>T (p.Gln1322His)

Gene: MCM3AP (minichromosome maintenance complex component 3 associated protein; minus strand). Cytogenetic location: 21q22.3.
Variant type: single nucleotide variant.
Coding change: c.3966G>T on transcript NM_003906.5 (MANE Select); coding-DNA position 3966, G replaced by T.
Protein change: p.Gln1322His; replaces glutamine 1322 with histidine.
Molecular consequence: missense variant.
Genome position (GRCh38, 1-based): chr21:46,254,811, C>A on the plus strand (G>T on the coding strand, the complement: MCM3AP is on the minus strand). VCF-style: chr21-46254811-C-A. GRCh37 (hg19) VCF-style: chr21-47674725-C-A.
Other names: short protein forms Q1322H.
Identifiers: ClinVar variation 3657393 (VCV003657393.2).